The following is an entry in ClinVar:

NM_001283009.2(RTEL1):c.2627AGA[1] (p.Lys877del)

Genes: RTEL1 (regulator of telomere elongation helicase 1; plus strand), RTEL1-TNFRSF6B (RTEL1-TNFRSF6B readthrough (NMD candidate); plus strand). Cytogenetic location: 20q13.33.
Variant type: Microsatellite.
Coding change: c.2627AGA[1] on transcript NM_001283009.2 (MANE Select); one copy of the 3-base unit AGA starting at c.2627; the reference has two copies in a row; one copy, 3 bases deleted.
Protein change: p.Lys877del; deletes lysine 877.
Molecular consequence: inframe deletion. On other transcripts: non-coding transcript variant (1).
Genome position (GRCh38, 1-based): chr20:63,691,815-63,691,817, AGA deleted; deleting any 3 consecutive bases within chr20:63,691,810-63,691,817 gives the same sequence; the position shown is the placement nearest the transcript's 3' end. VCF-style (leftmost placement, unchanged base first): chr20-63691809-GGAA-G. GRCh37 (hg19) VCF-style: chr20-62323162-GGAA-G.
Other names: c.2702_2704delAGA (NM_032957.4); c.1958AGA[1], p.Lys654del (NM_001283010.1); c.2627AGA[1], p.Lys877del (NM_016434.4); c.2699AGA[1], p.Lys901del (NM_032957.5); short protein forms K877del, K901del, K654del.
Identifiers: ClinVar variation 555961 (VCV000555961.20), dbSNP rs1555812473, ClinGen allele CA658824159.

ClinVar aggregate classification (germline): Uncertain significance. Review status: criteria provided, multiple submitters, no conflicts (2 of 4 stars). 6 submissions from 5 submitters: Uncertain significance (5). 1 of the submissions does not count toward it. Last evaluated 2025-12-11.

Conditions:
Dyskeratosis congenita, autosomal recessive 5 (DKCB5). Identifiers: MedGen C3554656, MONDO:0014076, OMIM 615190.
RTEL1-related disorder. Also called: RTEL1-related disorders; RTEL1-related condition.
Pulmonary fibrosis and/or bone marrow failure, Telomere-related, 3. Also called: PULMONARY FIBROSIS AND/OR BONE MARROW FAILURE SYNDROME, TELOMERE-RELATED, 3. Identifiers: Orphanet 2032, MedGen C4225346, MONDO:0014613, OMIM 616373.
Pulmonary fibrosis and/or bone marrow failure, Telomere-related, 1. Also called: PULMONARY FIBROSIS AND/OR BONE MARROW FAILURE SYNDROME, TELOMERE-RELATED, 1. Identifiers: Orphanet 88, MedGen C3553617, MONDO:0013878, OMIM 614742.

Submissions (6):

Labcorp Genetics (formerly Invitae), Labcorp
Classification: Uncertain significance for Dyskeratosis congenita, autosomal recessive 5; Pulmonary fibrosis and/or bone marrow failure, Telomere-related, 3. Last evaluated: 2025-12-11. Review status: criteria provided, single submitter. Criteria: Invitae Variant Classification Sherloc (09022015). Collection method: clinical testing. Allele origin: germline.
Comment: This variant, c.2630_2632del, results in the deletion of 1 amino acid(s) of the RTEL1 protein (p.Lys877del), but otherwise preserves the integrity of the reading frame. This variant is not present in population databases (gnomAD no frequency). This variant has not been reported in the literature in individuals affected with RTEL1-related conditions. Experimental studies and prediction algorithms are not available or were not evaluated, and the functional significance of this variant is currently unknown. In summary, the available evidence is currently insufficient to determine the role of this variant in disease. Therefore, it has been classified as a Variant of Uncertain Significance.

CeGaT Center for Human Genetics Tuebingen
Classification: Uncertain significance. Last evaluated: 2024-12-01. Review status: criteria provided, single submitter. Criteria: CeGaT Center For Human Genetics Tuebingen Variant Classification Criteria Version 2. Collection method: clinical testing. Allele origin: germline. Affected: yes. Observed: 1 variant allele.
Comment: RTEL1: PM2, PM4:Supporting

PreventionGenetics, part of Exact Sciences
Classification: Uncertain significance for RTEL1-related condition. Last evaluated: 2022-12-27. Review status: criteria provided, single submitter. Criteria: ACMG Guidelines, 2015. Collection method: clinical testing. Allele origin: germline.
Comment: The RTEL1 c.2702_2704delAGA variant is predicted to result in an in-frame deletion (p.Lys901del). To our knowledge, this variant has not been reported in the literature or in a large population database, indicating this variant is rare. At this time, the clinical significance of this variant is uncertain due to the absence of conclusive functional and genetic evidence.

Genomic Research Center, Shahid Beheshti University of Medical Sciences
Classification: Uncertain significance for Pulmonary fibrosis and/or bone marrow failure, telomere-related, 1. Last evaluated: 2018-08-07. Review status: criteria provided, single submitter. Criteria: ACMG Guidelines, 2015. Collection method: clinical testing. Allele origin: inherited. Affected: yes. Observed: 1 variant allele.

Genomic Research Center, Shahid Beheshti University of Medical Sciences
Classification: Uncertain significance for Dyskeratosis congenita, autosomal recessive, 5. Last evaluated: 2018-08-07. Review status: criteria provided, single submitter. Criteria: ACMG Guidelines, 2015. Collection method: clinical testing. Allele origin: inherited. Affected: yes. Observed: 1 variant allele.

Counsyl
Classification: Uncertain significance for Dyskeratosis congenita, autosomal recessive 5. Last evaluated: 2018-01-05. Review status: no assertion criteria provided. Collection method: clinical testing. Allele origin: unknown. Not counted in ClinVar's aggregate classification.